The following is an entry in ClinVar:

NM_173689.7(CRB2):c.3485dup (p.Glu1163fs)

Gene: CRB2 (crumbs cell polarity complex component 2; plus strand). Cytogenetic location: 9q33.3.
Variant type: Duplication.
Coding change: c.3485dup on transcript NM_173689.7 (MANE Select); coding-DNA position 3485, one base duplicated (T; older notation c.3485dupT).
Protein change: p.Glu1163fs; shifts the reading frame from glutamic acid 1163.
Molecular consequence: frameshift variant. On other transcripts: non-coding transcript variant (1).
Genome position (GRCh38, 1-based): chr9:123,374,674, T duplicated. VCF-style (leftmost placement, unchanged base first): chr9-123374673-C-CT. GRCh37 (hg19) VCF-style: chr9-126136952-C-CT.
Other names: short protein forms E1163fs.
Identifiers: ClinVar variation 1451639 (VCV001451639.6), dbSNP rs1564378996, ClinGen allele CA590530835.

ClinVar aggregate classification (germline): Pathogenic (1 of 4 stars; one submission).

Allele frequency attached by ClinVar (database versions not stated): gnomAD exomes below 0.00001.

Submission:

Labcorp Genetics (formerly Invitae), Labcorp
Classification: Pathogenic. Last evaluated: 2022-07-12. Review status: criteria provided, single submitter. Criteria: Invitae Variant Classification Sherloc (09022015). Collection method: clinical testing. Allele origin: germline.
Comment: This sequence change creates a premature translational stop signal (p.Glu1163Glyfs*16) in the CRB2 gene. It is expected to result in an absent or disrupted protein product. Loss-of-function variants in CRB2 are known to be pathogenic (PMID: 27942854, 30212996). This variant is present in population databases (no rsID available, gnomAD 0.0009%). This variant has not been reported in the literature in individuals affected with CRB2-related conditions. ClinVar contains an entry for this variant (Variation ID: 1451639). For these reasons, this variant has been classified as Pathogenic.

Literature cited by the submitters: PubMed 27942854; PubMed 30212996.